The following is an entry in ClinVar:

ClinVar aggregate classification (germline): Benign/Likely benign. Review status: criteria provided, multiple submitters, no conflicts (2 of 4 stars). 3 submissions from 3 submitters: Benign (1); Likely benign (2). Last evaluated 2026-04-01.

Allele frequency attached by ClinVar (database versions not stated): gnomAD exomes 0.00047; TOPMed 0.00049; gnomAD 0.00060; ExAC 0.00135.
gnomAD v4.1: 755 of 1,556,168 alleles (0.049%); highest among the groups gnomAD compares: Non-Finnish European, 0.049%; 3 homozygotes.

Submissions (3):

CeGaT Center for Human Genetics Tuebingen
Classification: Likely benign. Last evaluated: 2026-04-01. Review status: criteria provided, single submitter. Criteria: CeGaT Center For Human Genetics Tuebingen Variant Classification Criteria Version 2. Collection method: clinical testing. Allele origin: germline. Affected: yes. Observed: 6 variant alleles.
Comment: FDXR: BP4, BP7

Laboratory of Genetics, Children's Clinical University Hospital Latvia
Classification: Benign. Last evaluated: 2025-02-16. Review status: criteria provided, single submitter. Criteria: ACMG Guidelines, 2015. Collection method: clinical testing. Allele origin: germline. Affected: yes.

Blueprint Genetics
Classification: Likely benign. Last evaluated: 2024-11-13. Review status: criteria provided, single submitter. Criteria: ACMG Guidelines, 2015. Collection method: clinical testing. Allele origin: germline.

NM_024417.5(FDXR):c.178-88T>C

Gene: FDXR (ferredoxin reductase; minus strand). Cytogenetic location: 17q25.1.
Variant type: single nucleotide variant.
Coding change: c.178-88T>C on transcript NM_024417.5 (MANE Select); 88 bases into the intron before coding-DNA position 178, T replaced by C.
Molecular consequence: intron variant. On other transcripts: synonymous variant (1).
Genome position (GRCh38, 1-based): chr17:74,866,964, A>G on the plus strand (T>C on the coding strand, the complement: FDXR is on the minus strand). VCF-style: chr17-74866964-A-G. GRCh37 (hg19) VCF-style: chr17-72863086-A-G.
Other names: c.219T>C, p.Ser73= (NM_001258012.4); c.178-88T>C (NM_001258014.4, NM_004110.6); c.178-85T>C (NM_001258015.3); c.271-88T>C (NM_001258013.4); c.22-88T>C (NM_001258016.3).
Identifiers: ClinVar variation 2648242 (VCV002648242.26), dbSNP rs766455383, ClinGen allele CA8753329.